The following is an entry in ClinVar:

ClinVar aggregate classification (germline): Uncertain significance (1 of 4 stars; one submission).

Conditions:
DNA ligase IV deficiency. Identifiers: Orphanet 99812, MedGen C1847827, MONDO:0011686, OMIM 606593.

Allele frequency attached by ClinVar (database versions not stated): gnomAD exomes below 0.00001 and 0.00001.
gnomAD v4.1: 4 of 1,614,218 alleles (0.00025%); highest among the groups gnomAD compares: South Asian, 0.0022%; no homozygotes.

Submission:

Labcorp Genetics (formerly Invitae), Labcorp
Classification: Uncertain significance for DNA ligase IV deficiency. Last evaluated: 2021-04-03. Review status: criteria provided, single submitter. Criteria: Invitae Variant Classification Sherloc (09022015). Collection method: clinical testing. Allele origin: germline.
Comment: In summary, the available evidence is currently insufficient to determine the role of this variant in disease. Therefore, it has been classified as a Variant of Uncertain Significance. Algorithms developed to predict the effect of sequence changes on RNA splicing suggest that this variant may create or strengthen a splice site, but this prediction has not been confirmed by published transcriptional studies. Algorithms developed to predict the effect of missense changes on protein structure and function output the following: SIFT: "Tolerated"; PolyPhen-2: "Benign"; Align-GVGD: "Class C0". The valine amino acid residue is found in multiple mammalian species, suggesting that this missense change does not adversely affect protein function. These predictions have not been confirmed by published functional studies and their clinical significance is uncertain. This variant has not been reported in the literature in individuals with LIG4-related conditions. This variant is not present in population databases (ExAC no frequency). This sequence change replaces isoleucine with valine at codon 617 of the LIG4 protein (p.Ile617Val). The isoleucine residue is moderately conserved and there is a small physicochemical difference between isoleucine and valine.

NM_206937.2(LIG4):c.1849A>G (p.Ile617Val)

Gene: LIG4 (DNA ligase 4; minus strand). Cytogenetic location: 13q33.3.
Variant type: single nucleotide variant.
Coding change: c.1849A>G on transcript NM_206937.2 (MANE Select); coding-DNA position 1849, A replaced by G.
Protein change: p.Ile617Val; replaces isoleucine 617 with valine.
Molecular consequence: missense variant.
Genome position (GRCh38, 1-based): chr13:108,209,420, T>C on the plus strand (A>G on the coding strand, the complement: LIG4 is on the minus strand). VCF-style: chr13-108209420-T-C. GRCh37 (hg19) VCF-style: chr13-108861768-T-C.
Other names: c.1849A>G, p.Ile617Val (NM_001098268.2, NM_001352598.2, NM_001352599.2 and 6 more transcripts); c.1648A>G, p.Ile550Val (NM_001330595.2); c.1885A>G, p.Ile629Val (NM_001352604.2); short protein forms I550V, I617V, I629V.
Identifiers: ClinVar variation 1443984 (VCV001443984.8), dbSNP rs1161384624, ClinGen allele CA388615710.